The following is an entry in ClinVar:

ClinVar aggregate classification (germline): Benign/Likely benign. Review status: criteria provided, multiple submitters, no conflicts (2 of 4 stars). 4 submissions from 4 submitters: Benign (1); Likely benign (3). Last evaluated 2025-01-29.

Conditions:
Hereditary nonpolyposis colorectal neoplasms. Identifiers: MedGen C0009405, MeSH D003123.
Hereditary cancer-predisposing syndrome. Also called: Tumor predisposition; Hereditary neoplastic syndrome; Neoplastic Syndromes, Hereditary; Hereditary Cancer Syndrome. Identifiers: Orphanet 140162, MedGen C0027672, MeSH D009386, MONDO:0015356.
Lynch syndrome 4 (LYNCH4). Also called: Colorectal cancer, hereditary nonpolyposis, type 4; Hereditary non-polyposis colorectal cancer, type 4. Identifiers: Orphanet 144, MedGen C1838333, MONDO:0013699, OMIM 614337. Disease mechanism: loss of function.

Allele frequency attached by ClinVar (database versions not stated): gnomAD 0.00003.

Submissions (4):

Labcorp Genetics (formerly Invitae), Labcorp
Classification: Likely benign for Hereditary nonpolyposis colorectal neoplasms. Last evaluated: 2025-01-29. Review status: criteria provided, single submitter. Criteria: Invitae Variant Classification Sherloc (09022015). Collection method: clinical testing. Allele origin: germline.

Myriad Genetics, Inc.
Classification: Benign for Lynch syndrome 4. Last evaluated: 2025-01-24. Review status: criteria provided, single submitter. Criteria: Myriad Autosomal Dominant, Autosomal Recessive and X-Linked Classification Criteria (2023). Collection method: clinical testing. Allele origin: unknown.
Comment: This variant is considered benign. This variant is a silent/synonymous amino acid change and it is not expected to impact splicing.

Ambry Genetics
Classification: Likely benign for Hereditary cancer-predisposing syndrome. Last evaluated: 2019-11-18. Review status: criteria provided, single submitter. Criteria: Ambry Variant Classification Scheme 2023. Collection method: clinical testing. Allele origin: germline.

GeneDx
Classification: Likely benign. Last evaluated: 2017-11-22. Review status: criteria provided, single submitter. Criteria: GeneDx Variant Classification (06012015). Collection method: clinical testing. Allele origin: germline. Affected: yes.
Comment: This variant is considered likely benign or benign based on one or more of the following criteria: it is a conservative change, it occurs at a poorly conserved position in the protein, it is predicted to be benign by multiple in silico algorithms, and/or has population frequency not consistent with disease.

NM_000535.7(PMS2):c.258A>G (p.Lys86=)

Gene: PMS2 (PMS1 homolog 2, mismatch repair system component; minus strand). Cytogenetic location: 7p22.1.
Variant type: single nucleotide variant.
Coding change: c.258A>G on transcript NM_000535.7 (MANE Select); coding-DNA position 258, A replaced by G.
Protein change: p.Lys86=; no amino-acid change (lysine 86 retained).
Molecular consequence: synonymous variant. On other transcripts: 5 prime UTR variant (9), non-coding transcript variant (1), intron variant (2).
Genome position (GRCh38, 1-based): chr7:6,003,785, T>C on the plus strand (A>G on the coding strand, the complement: PMS2 is on the minus strand). VCF-style: chr7-6003785-T-C. GRCh37 (hg19) VCF-style: chr7-6043416-T-C.
Other names: c.-148A>G (NM_001322003.2, NM_001322004.2, NM_001322005.2 and 3 more transcripts); c.258A>G, p.Lys86= (NM_001322006.2, NM_001322014.2); c.-627A>G (NM_001322011.2, NM_001322012.2); c.-227A>G (NM_001322015.2); c.35+187A>G (NM_001322008.2, NM_001322007.2).
Identifiers: ClinVar variation 379038 (VCV000379038.17), dbSNP rs1057520475, ClinGen allele CA16605366.